The following is an entry in ClinVar:

ClinVar aggregate classification (germline): Uncertain significance. Review status: criteria provided, multiple submitters, no conflicts (2 of 4 stars). 2 submissions from 2 submitters: Uncertain significance (2). Last evaluated 2026-01-05.

Allele frequency attached by ClinVar (database versions not stated): ESP Exome Variant Server 0.00008; gnomAD 0.00014; 1000 Genomes Project 30x 0.00031; 1000 Genomes Project 0.00040.

Submissions (2):

Labcorp Genetics (formerly Invitae), Labcorp
Classification: Uncertain significance. Last evaluated: 2026-01-05. Review status: criteria provided, single submitter. Criteria: Invitae Variant Classification Sherloc (09022015). Collection method: clinical testing. Allele origin: germline.
Comment: This sequence change replaces glycine, which is neutral and non-polar, with serine, which is neutral and polar, at codon 2133 of the FBN3 protein (p.Gly2133Ser). This variant is present in population databases (rs138232748, gnomAD 0.2%), and has an allele count higher than expected for a pathogenic variant. This variant has not been reported in the literature in individuals affected with FBN3-related conditions. ClinVar contains an entry for this variant (Variation ID: 2162635). Invitae Evidence Modeling of protein sequence and biophysical properties (such as structural, functional, and spatial information, amino acid conservation, physicochemical variation, residue mobility, and thermodynamic stability) indicates that this missense variant is not expected to disrupt FBN3 protein function with a negative predictive value of 80%. In summary, the available evidence is currently insufficient to determine the role of this variant in disease. Therefore, it has been classified as a Variant of Uncertain Significance.

Ambry Genetics
Classification: Uncertain significance. Last evaluated: 2024-04-24. Review status: criteria provided, single submitter. Criteria: Ambry Variant Classification Scheme 2023. Collection method: clinical testing. Allele origin: germline.

NM_032447.5(FBN3):c.6397G>A (p.Gly2133Ser)

Gene: FBN3 (fibrillin 3; minus strand). Cytogenetic location: 19p13.2.
Variant type: single nucleotide variant.
Coding change: c.6397G>A on transcript NM_032447.5 (MANE Select); coding-DNA position 6397, G replaced by A.
Protein change: p.Gly2133Ser; replaces glycine 2133 with serine.
Molecular consequence: missense variant.
Genome position (GRCh38, 1-based): chr19:8,088,159, C>T on the plus strand (G>A on the coding strand, the complement: FBN3 is on the minus strand). VCF-style: chr19-8088159-C-T. GRCh37 (hg19) VCF-style: chr19-8153043-C-T.
Other names: c.6397G>A (NM_032447.3); c.6397G>A, p.Gly2133Ser (NM_001321431.2); short protein forms G2133S.
Identifiers: ClinVar variation 2162635 (VCV002162635.5), dbSNP rs138232748, ClinGen allele CA9151302.